The following is an entry in ClinVar:

ClinVar aggregate classification (germline): Pathogenic (1 of 4 stars; one submission).

Conditions:
Hereditary cancer-predisposing syndrome. Also called: Hereditary Cancer Syndrome; Neoplastic Syndromes, Hereditary; Tumor predisposition; Hereditary neoplastic syndrome. Identifiers: Orphanet 140162, MedGen C0027672, MeSH D009386, MONDO:0015356.

Submission:

Ambry Genetics
Classification: Pathogenic for Hereditary cancer-predisposing syndrome. Last evaluated: 2016-04-26. Review status: criteria provided, single submitter. Criteria: Ambry Variant Classification Scheme 2023. Collection method: clinical testing. Allele origin: germline.
Comment: The c.1897delC pathogenic mutation, located in coding exon 16 of the MRE11A gene, results from a deletion of one nucleotide at nucleotide position 1897, causing a translational frameshift with a predicted alternate stop codon. Since frameshifts are typically deleterious in nature, this alteration is interpreted as a disease-causing mutation (ACMG Recommendations for Standards for Interpretation and Reporting of Sequence Variations. Revision 2007. Genet Med. 2008;10:294).

NM_005591.4(MRE11):c.1897del (p.Arg633fs)

Gene: MRE11 (MRE11 double strand break repair nuclease; minus strand). Cytogenetic location: 11q21.
Variant type: Deletion.
Coding change: c.1897del on transcript NM_005591.4 (MANE Select); coding-DNA position 1897, one base deleted (C; older notation c.1897delC).
Protein change: p.Arg633fs; shifts the reading frame from arginine 633.
Molecular consequence: frameshift variant.
Genome position (GRCh38, 1-based): chr11:94,437,206, G deleted on the plus strand (C on the coding strand, the reverse complement: MRE11 is on the minus strand); the first of 3 consecutive G bases (chr11:94,437,206-94,437,208); deleting any one gives the same sequence. VCF-style (leftmost placement, unchanged base first): chr11-94437205-CG-C. GRCh37 (hg19) VCF-style: chr11-94170371-CG-C.
Other names: c.1894del, p.Arg632fs (NM_001330347.2); c.1813del, p.Arg605fs (NM_005590.4); c.1897delC (NM_005591.3); short protein forms R605fs, R632fs, R633fs.
Identifiers: ClinVar variation 479740 (VCV000479740.5), dbSNP rs1555002419, ClinGen allele CA658658093.